The following is an entry in ClinVar:

NM_001851.6(COL9A1):c.817G>A (p.Glu273Lys)

Gene: COL9A1 (collagen type IX alpha 1 chain; minus strand). Cytogenetic location: 6q13.
Variant type: single nucleotide variant.
Coding change: c.817G>A on transcript NM_001851.6 (MANE Select); coding-DNA position 817, G replaced by A.
Protein change: p.Glu273Lys; replaces glutamic acid 273 with lysine.
Molecular consequence: missense variant. On other transcripts: non-coding transcript variant (1).
Genome position (GRCh38, 1-based): chr6:70,281,449, C>T on the plus strand (G>A on the coding strand, the complement: COL9A1 is on the minus strand). VCF-style: chr6-70281449-C-T. GRCh37 (hg19) VCF-style: chr6-70991152-C-T.
Other names: c.88G>A, p.Glu30Lys (NM_001377289.1, NM_001377290.1, NM_078485.4); c.817G>A, p.Glu273Lys (NM_001377291.1); c.817G>A (NM_001851.4); short protein forms E273K, E30K.
Identifiers: ClinVar variation 1371707 (VCV001371707.4), dbSNP rs374036753, ClinGen allele CA3882650.

ClinVar aggregate classification (germline): Uncertain significance. Review status: criteria provided, multiple submitters, no conflicts (2 of 4 stars). 2 submissions from 2 submitters: Uncertain significance (2). Last evaluated 2024-03-04.

Conditions:
Inborn genetic diseases. Identifiers: MedGen C0950123, MeSH D030342.

Allele frequency attached by ClinVar (database versions not stated): gnomAD exomes below 0.00001 and 0.00001; gnomAD 0.00001 and 0.00002; ExAC 0.00004; ESP Exome Variant Server 0.00008.
gnomAD v4.1: 10 of 1,612,572 alleles (0.00062%); highest among the groups gnomAD compares: Middle Eastern, 0.016%; no homozygotes.

Submissions (2):

Ambry Genetics
Classification: Uncertain significance for Inborn genetic diseases. Last evaluated: 2024-03-04. Review status: criteria provided, single submitter. Criteria: Ambry Variant Classification Scheme 2023. Collection method: clinical testing. Allele origin: germline.

Labcorp Genetics (formerly Invitae), Labcorp
Classification: Uncertain significance. Last evaluated: 2022-02-05. Review status: criteria provided, single submitter. Criteria: Invitae Variant Classification Sherloc (09022015). Collection method: clinical testing. Allele origin: germline.
Comment: This sequence change replaces glutamic acid, which is acidic and polar, with lysine, which is basic and polar, at codon 273 of the COL9A1 protein (p.Glu273Lys). This variant is present in population databases (rs374036753, gnomAD 0.003%). This variant has not been reported in the literature in individuals affected with COL9A1-related conditions. Advanced modeling of protein sequence and biophysical properties (such as structural, functional, and spatial information, amino acid conservation, physicochemical variation, residue mobility, and thermodynamic stability) performed at Invitae indicates that this missense variant is not expected to disrupt COL9A1 protein function. In summary, the available evidence is currently insufficient to determine the role of this variant in disease. Therefore, it has been classified as a Variant of Uncertain Significance.